The following is an entry in ClinVar:

NM_020708.5(SLC12A5):c.1688+4C>T

Gene: SLC12A5 (solute carrier family 12 member 5; plus strand). Cytogenetic location: 20q13.12.
Variant type: single nucleotide variant.
Coding change: c.1688+4C>T on transcript NM_020708.5 (MANE Select); 4 bases into the intron after coding-DNA position 1688, C replaced by T.
Molecular consequence: intron variant.
Genome position (GRCh38, 1-based): chr20:46,046,000, C>T. VCF-style: chr20-46046000-C-T. GRCh37 (hg19) VCF-style: chr20-44674639-C-T.
Other names: c.1757+4C>T (NM_001134771.2).
Identifiers: ClinVar variation 1308278 (VCV001308278.2), dbSNP rs778214369, ClinGen allele CA9887392.

ClinVar aggregate classification (germline): Uncertain significance (1 of 4 stars; one submission).

Allele frequency attached by ClinVar (database versions not stated): gnomAD exomes below 0.00001 and 0.00001; ExAC 0.00002.
gnomAD v4.1: 7 of 1,612,156 alleles (0.00043%); highest among the groups gnomAD compares: Non-Finnish European, 0.00059%; no homozygotes.

Submission:

GeneDx
Classification: Uncertain significance. Last evaluated: 2019-03-29. Review status: criteria provided, single submitter. Criteria: GeneDx Variant Classification Process June 2021. Collection method: clinical testing. Allele origin: germline. Affected: yes.
Comment: Has not been previously published as pathogenic or benign to our knowledge; In-silico analysis, which includes splice predictors and evolutionary conservation, is inconclusive as to whether the variant alters gene splicing. In the absence of RNA/functional studies, the actual effect of this sequence change is unknown.